The following is an entry in ClinVar:

ClinVar aggregate classification (germline): Uncertain significance (1 of 4 stars; one submission).

Conditions:
Joubert syndrome. Also called: CEREBELLOPARENCHYMAL DISORDER IV; JOUBERT-BOLTSHAUSER SYNDROME; Familial aplasia of the vermis. Identifiers: Orphanet 475, MedGen C5979921, MONDO:0018772.
Meckel-Gruber syndrome. Also called: DYSENCEPHALIA SPLANCHNOCYSTICA; GRUBER SYNDROME; Dysencephalia splachnocystica. Identifiers: Orphanet 564, MedGen C0265215, MONDO:0018921.

Allele frequency attached by ClinVar (database versions not stated): gnomAD exomes below 0.00001; TOPMed below 0.00001; gnomAD 0.00001; ExAC 0.00002.

Submission:

Labcorp Genetics (formerly Invitae), Labcorp
Classification: Uncertain significance for Joubert syndrome; Meckel-Gruber syndrome. Last evaluated: 2024-10-25. Review status: criteria provided, single submitter. Criteria: Invitae Variant Classification Sherloc (09022015). Collection method: clinical testing. Allele origin: germline.
Comment: This sequence change falls in intron 1 of the TMEM67 gene. It does not directly change the encoded amino acid sequence of the TMEM67 protein. It affects a nucleotide within the consensus splice site. This variant is not present in population databases (gnomAD no frequency). This variant has not been reported in the literature in individuals affected with TMEM67-related conditions. ClinVar contains an entry for this variant (Variation ID: 2103546). Variants that disrupt the consensus splice site are a relatively common cause of aberrant splicing (PMID: 17576681, 9536098). Algorithms developed to predict the effect of sequence changes on RNA splicing suggest that this variant may disrupt the consensus splice site. In summary, the available evidence is currently insufficient to determine the role of this variant in disease. Therefore, it has been classified as a Variant of Uncertain Significance.

Literature cited by the submitters: PubMed 17576681; PubMed 9536098.

NM_153704.6(TMEM67):c.224-2dup

Gene: TMEM67 (transmembrane protein 67; plus strand). Cytogenetic location: 8q22.1.
Variant type: Duplication.
Coding change: c.224-2dup on transcript NM_153704.6 (MANE Select); the canonical splice acceptor site of the intron before coding-DNA position 224, one base duplicated (A; older notation c.224-2dupA).
Molecular consequence: splice acceptor variant. On other transcripts: intron variant (1).
Genome position (GRCh38, 1-based): chr8:93,755,776, A duplicated. VCF-style (leftmost placement, unchanged base first): chr8-93755775-T-TA. GRCh37 (hg19) VCF-style: chr8-94768003-T-TA.
Other names: c.-62+639dup (NM_001142301.1).
Identifiers: ClinVar variation 2103546 (VCV002103546.4), dbSNP rs1554614318, ClinGen allele CA4807556.